The following is an entry in ClinVar:

ClinVar aggregate classification (germline): Conflicting classifications of pathogenicity. Review status: criteria provided, conflicting classifications (1 of 4 stars). 6 submissions from 6 submitters: Uncertain significance (5); Likely benign (1). Last evaluated 2026-01-07.

Conditions:
Inborn genetic diseases. Identifiers: MedGen C0950123, MeSH D030342.
Meckel-Gruber syndrome. Also called: Dysencephalia splachnocystica; DYSENCEPHALIA SPLANCHNOCYSTICA; GRUBER SYNDROME. Identifiers: Orphanet 564, MedGen C0265215, MONDO:0018921.
Joubert syndrome. Also called: Familial aplasia of the vermis; JOUBERT-BOLTSHAUSER SYNDROME. Identifiers: Orphanet 475, MedGen C5979921, MONDO:0018772.
Joubert syndrome and related disorders. Identifiers: Orphanet 140874, MedGen C5679612, MONDO:0015369.

Allele frequency attached by ClinVar (database versions not stated): gnomAD exomes 0.00002; gnomAD 0.00006 and 0.00009; ESP Exome Variant Server 0.00008; TOPMed 0.00010; 1000 Genomes Project 30x 0.00047; 1000 Genomes Project 0.00060.
gnomAD v4.1: 39 of 1,612,498 alleles (0.0024%); highest among the groups gnomAD compares: African/African-American, 0.035%; no homozygotes.

Submissions (6):

Labcorp Genetics (formerly Invitae), Labcorp
Classification: Likely benign for Joubert syndrome; Meckel-Gruber syndrome. Last evaluated: 2026-01-07. Review status: criteria provided, single submitter. Criteria: Invitae Variant Classification Sherloc (09022015). Collection method: clinical testing. Allele origin: germline.

Myriad Genetics, Inc.
Classification: Uncertain significance for Joubert syndrome and related disorders. Last evaluated: 2025-12-05. Review status: criteria provided, single submitter. Criteria: Myriad Autosomal Dominant, Autosomal Recessive and X-Linked Classification Criteria (2023). Collection method: clinical testing. Allele origin: unknown.
Comment: NM_001080522.2(CC2D2A):c.3157A>G(I1053V) is a missense variant classified as a variant of uncertain significance in the context of CC2D2A-related disorders. I1053V has not been observed in cases with relevant disease. Relevant functional assessments of this variant are not available in the literature. I1053V has been observed in referenced population frequency databases. In summary, there is insufficient evidence to classify NM_001080522.2(CC2D2A):c.3157A>G(I1053V) as pathogenic or benign. Please note: this variant was assessed in the context of healthy population screening.

Blueprint Genetics
Classification: Uncertain significance. Last evaluated: 2024-11-14. Review status: criteria provided, single submitter. Criteria: ACMG Guidelines, 2015. Collection method: clinical testing. Allele origin: germline.

GeneDx
Classification: Uncertain significance. Last evaluated: 2022-11-11. Review status: criteria provided, single submitter. Criteria: GeneDx Variant Classification Process June 2021. Collection method: clinical testing. Allele origin: germline. Affected: yes.
Comment: In silico analysis supports that this missense variant does not alter protein structure/function; This variant is associated with the following publications: (PMID: 31738409)

Ambry Genetics
Classification: Uncertain significance for Inborn genetic diseases. Last evaluated: 2021-10-20. Review status: criteria provided, single submitter. Criteria: Ambry Variant Classification Scheme 2023. Collection method: clinical testing. Allele origin: germline.
Comment: (Mansilla, 2021) Based on insufficient or conflicting evidence, the clinical significance of this alteration remains unclear.

Eurofins Ntd Llc (ga)
Classification: Uncertain significance. Last evaluated: 2018-01-12. Review status: criteria provided, single submitter. Criteria: EGL Classification Definitions 2015. Collection method: clinical testing. Allele origin: germline. Observed: 2 variant alleles, 2 heterozygotes.

Literature cited by the submitters: PubMed 31738409 (cited by Ambry Genetics).

NM_001378615.1(CC2D2A):c.3157A>G (p.Ile1053Val)

Genes: CC2D2A (coiled-coil and C2 domain containing 2A; plus strand), FBXL5 (F-box and leucine rich repeat protein 5; minus strand). Cytogenetic location: 4p15.32.
Variant type: single nucleotide variant.
Coding change: c.3157A>G on transcript NM_001378615.1 (MANE Select); coding-DNA position 3157, A replaced by G.
Protein change: p.Ile1053Val; replaces isoleucine 1053 with valine.
Molecular consequence: missense variant.
Genome position (GRCh38, 1-based): chr4:15,563,497, A>G. VCF-style: chr4-15563497-A-G. GRCh37 (hg19) VCF-style: chr4-15565120-A-G.
Other names: c.3157A>G, p.Ile1053Val (NM_001080522.2); c.3010A>G, p.Ile1004Val (NM_001378617.1); short protein forms I1053V, I1004V.
Identifiers: ClinVar variation 592620 (VCV000592620.18), dbSNP rs148194457, ClinGen allele CA2864086.
Genomic context (GRCh38, chr4:15,563,497, plus strand): 5'-GCCCAAAACCTGTCTGATGGAGACATAAAGCTGCTGGTGAACATTGTGCGAGCTTACGAC[A>G]TTCCAGTGAGGAAGCCGGCAGTGAGGTGAGAGCCCTCCCAACAGCCCGAGATGCAGTGTG-3'
Protein context (NP_001365544.1, residues 1043-1063): LLVNIVRAYD[Ile1053Val]PVRKPAVSKF